The following is an entry in ClinVar:

NM_178452.6(DNAAF1):c.1499C>G (p.Pro500Arg)

Gene: DNAAF1 (dynein axonemal assembly factor 1; plus strand). Cytogenetic location: 16q24.1.
Variant type: single nucleotide variant.
Coding change: c.1499C>G on transcript NM_178452.6 (MANE Select); coding-DNA position 1499, C replaced by G.
Protein change: p.Pro500Arg; replaces proline 500 with arginine.
Molecular consequence: missense variant.
Genome position (GRCh38, 1-based): chr16:84,170,327, C>G. VCF-style: chr16-84170327-C-G. GRCh37 (hg19) VCF-style: chr16-84203933-C-G.
Other names: c.1499C>G (NM_178452.5); c.791C>G, p.Pro264Arg (NM_001318756.1); short protein forms P500R, P264R.
Identifiers: ClinVar variation 228601 (VCV000228601.19), dbSNP rs138838276, ClinGen allele CA8202874.
Genomic context (GRCh38, chr16:84,170,327, plus strand): 5'-AGGTTAAAGGAGAGGATGGAGATCGAGAGCCAGAGGGGACCCTCCCAGCTGAGGCCCCAC[C>G]ACCACCGCCCCTGGGAGCTGCCAGGGAAGGTAATGTGAGCGGAGAAACACACACAGACAC-3'
Protein context (NP_848547.4, residues 490-510): PEGTLPAEAP[Pro500Arg]PPPLGAAREE

ClinVar aggregate classification (germline): Conflicting classifications of pathogenicity. Review status: criteria provided, conflicting classifications (1 of 4 stars). 6 submissions from 6 submitters: Uncertain significance (2); Benign (1); Likely benign (3). Last evaluated 2026-03-30.

Conditions:
DNAAF1-related disorder. Also called: DNAAF1-related condition.
Primary ciliary dyskinesia. Also called: Ciliary dyskinesia. Identifiers: Orphanet 244, MedGen C0008780, MONDO:0016575, HP:0012265.

Allele frequency attached by ClinVar (database versions not stated): gnomAD exomes 0.00009 and 0.00018; ExAC 0.00020; ESP Exome Variant Server 0.00046; 1000 Genomes Project 30x 0.00047; 1000 Genomes Project 0.00060; gnomAD 0.00065 and 0.00072; TOPMed 0.00080.
gnomAD v4.1: 230 of 1,611,858 alleles (0.014%); highest among the groups gnomAD compares: African/African-American, 0.29%; 1 homozygote.

Submissions (6):

PreventionGenetics, part of Exact Sciences
Classification: Likely benign for DNAAF1-related condition. Last evaluated: 2026-03-30. Review status: criteria provided, single submitter. Criteria: ACMG Guidelines, 2015. Collection method: clinical testing. Allele origin: germline.
Comment: This variant is classified as likely benign based on ACMG/AMP sequence variant interpretation guidelines (Richards et al. 2015 PMID: 25741868, with internal and published modifications).

Labcorp Genetics (formerly Invitae), Labcorp
Classification: Likely benign for Primary ciliary dyskinesia. Last evaluated: 2026-01-06. Review status: criteria provided, single submitter. Criteria: Invitae Variant Classification Sherloc (09022015). Collection method: clinical testing. Allele origin: germline.

GeneDx
Classification: Uncertain significance. Last evaluated: 2023-12-27. Review status: criteria provided, single submitter. Criteria: GeneDx Variant Classification Process June 2021. Collection method: clinical testing. Allele origin: germline. Affected: yes.
Comment: In silico analysis supports that this missense variant does not alter protein structure/function; Has not been previously published as pathogenic or benign to our knowledge

Ambry Genetics
Classification: Benign for Primary ciliary dyskinesia. Last evaluated: 2019-12-07. Review status: criteria provided, single submitter. Criteria: Ambry Variant Classification Scheme 2023. Collection method: clinical testing. Allele origin: germline.

UNC Molecular Genetics  Laboratory, University of North Carolina at Chapel Hill
Classification: Likely benign for Primary ciliary dyskinesia. Last evaluated: 2018-01-11. Review status: criteria provided, single submitter. Criteria: ACMG Guidelines, 2015. Collection method: clinical testing. Allele origin: germline. Observed: 1 heterozygote.

Laboratory for Molecular Medicine, Mass General Brigham Personalized Medicine
Classification: Uncertain significance. Last evaluated: 2016-02-15. Review status: criteria provided, single submitter. Criteria: LMM Criteria. Collection method: clinical testing. Allele origin: germline. Observed: 1 variant allele.
Comment: Variant classified as Uncertain Significance - Favor Benign. The p.Pro500Arg var iant in DNAAF1 has not been previously reported in individuals with pulmonary di sease, but has been identified in 0.25% (24/9432) of African chromosomes by the Exome Aggregation Consortium (ExAC; dbSNP rs1388 38276). Computational prediction tools and conservation analysis suggest that th e p.Pro500Arg variant may not impact the protein, though this information is not predictive enough to rule out pathogenicity. In summary, while the clinical si gnificance of the p.Pro500Arg variant is uncertain, its frequency suggests that it is more likely to be benign.